The following is an entry in ClinVar:

NM_000271.5(NPC1):c.3522G>A (p.Ala1174=)

Gene: NPC1 (NPC intracellular cholesterol transporter 1; minus strand). Cytogenetic location: 18q11.2.
Variant type: single nucleotide variant.
Coding change: c.3522G>A on transcript NM_000271.5 (MANE Select); coding-DNA position 3522, G replaced by A.
Protein change: p.Ala1174=; no amino-acid change (alanine 1174 retained).
Molecular consequence: synonymous variant.
Genome position (GRCh38, 1-based): chr18:23,534,515, C>T on the plus strand (G>A on the coding strand, the complement: NPC1 is on the minus strand). VCF-style: chr18-23534515-C-T. GRCh37 (hg19) VCF-style: chr18-21114479-C-T.
Other names: c.3522G>A (NM_000271.4).
Identifiers: ClinVar variation 1078316 (VCV001078316.10), dbSNP rs769887943, ClinGen allele CA8912743.
Genomic context (GRCh38, chr18:23,534,515, plus strand): 5'-CATGTGGGCAAGTGCCTCTTCCGCGCGCTCCACGCGGCTGCCTTTCATGCTCACCGTGAA[C>T]GCTCTGGTTATGTGGCTGCAGAACTCCACGGAGATGCCACAGCTCTGAAATAAAGCACTT-3'
Protein context (NP_000262.2, residues 1164-1184): SVEFCSHITR[Ala1174=]FTVSMKGSRV

ClinVar aggregate classification (germline): Likely benign. Review status: criteria provided, multiple submitters, no conflicts (2 of 4 stars). 2 submissions from 2 submitters: Likely benign (2). Last evaluated 2025-07-11.

Conditions:
Niemann-Pick disease, type C1. Also called: NIEMANN-PICK DISEASE, VARIANT TYPE C1; NEUROVISCERAL STORAGE DISEASE WITH VERTICAL SUPRANUCLEAR OPHTHALMOPLEGIA; NIEMANN-PICK DISEASE WITH CHOLESTEROL ESTERIFICATION BLOCK; NIEMANN-PICK DISEASE WITHOUT SPHINGOMYELINASE DEFICIENCY; NIEMANN-PICK DISEASE, CHRONIC NEURONOPATHIC FORM. Identifiers: Orphanet 646, MedGen C3179455, MONDO:0009757, OMIM 257220.
NPC1-related disorder. Also called: NPC1-related condition.

Allele frequency attached by ClinVar (database versions not stated): gnomAD exomes below 0.00001 and 0.00001; ExAC 0.00001.
gnomAD v4.1: 6 of 1,614,156 alleles (0.00037%); highest among the groups gnomAD compares: East Asian, 0.0022%; no homozygotes.

Submissions (2):

PreventionGenetics, part of Exact Sciences
Classification: Likely benign for NPC1-related condition. Last evaluated: 2025-07-11. Review status: criteria provided, single submitter. Criteria: ACMG Guidelines, 2015. Collection method: clinical testing. Allele origin: germline.
Comment: This variant is classified as likely benign based on ACMG/AMP sequence variant interpretation guidelines (Richards et al. 2015 PMID: 25741868, with internal and published modifications).

Labcorp Genetics (formerly Invitae), Labcorp
Classification: Likely benign for Niemann-Pick disease, type C1. Last evaluated: 2024-02-02. Review status: criteria provided, single submitter. Criteria: Invitae Variant Classification Sherloc (09022015). Collection method: clinical testing. Allele origin: germline.